The following is an entry in ClinVar:

NM_024312.5(GNPTAB):c.132G>A (p.Trp44Ter)

Gene: GNPTAB (N-acetylglucosamine-1-phosphate transferase subunits alpha and beta; minus strand). Cytogenetic location: 12q23.2.
Variant type: single nucleotide variant.
Coding change: c.132G>A on transcript NM_024312.5 (MANE Select); coding-DNA position 132, G replaced by A.
Protein change: p.Trp44Ter; replaces tryptophan 44 with a stop codon.
Molecular consequence: nonsense.
Genome position (GRCh38, 1-based): chr12:101,796,748, C>T on the plus strand (G>A on the coding strand, the complement: GNPTAB is on the minus strand). VCF-style: chr12-101796748-C-T. GRCh37 (hg19) VCF-style: chr12-102190526-C-T.
Other names: short protein forms W44*.
Identifiers: ClinVar variation 5015160 (VCV005015160.1).

ClinVar aggregate classification (germline): Pathogenic (1 of 4 stars; one submission).

Conditions:
GNPTAB-mucolipidosis. Also called: UDP-N-acetylglucosamine-1-phosphotransferase subunit alpha/beta deficiency. Identifiers: MedGen CN322573, MONDO:0100122.

Submission:

Myriad Genetics, Inc.
Classification: Pathogenic for GNPTAB-mucolipidosis. Last evaluated: 2026-01-21. Review status: criteria provided, single submitter. Criteria: Myriad Autosomal Dominant, Autosomal Recessive and X-Linked Classification Criteria (2023). Collection method: clinical testing. Allele origin: unknown.
Comment: NM_024312.4(GNPTAB):c.132G>A(W44*) is expected to be pathogenic in the context of GNPTAB-related disorders. This variant is predicted to lead to an abnormal or absent protein product due to the creation of a premature termination codon in GNPTAB, a gene where loss-of-function variants are known to be pathogenic. Please note: this variant was assessed in the context of healthy population screening.